The following is an entry in ClinVar:

ClinVar aggregate classification (germline): Likely benign (1 of 4 stars; one submission).

Conditions:
Erythrocytosis, familial, 3 (ECYT3). Identifiers: Orphanet 247511, MedGen C1853286, MONDO:0012353, OMIM 609820.

Allele frequency attached by ClinVar (database versions not stated): 1000 Genomes Project 0.00899; 1000 Genomes Project 30x 0.00984; gnomAD 0.01076 and 0.01166; TOPMed 0.01201.

Submission:

Illumina Laboratory Services, Illumina
Classification: Likely benign for Erythrocytosis, familial, 3. Last evaluated: 2017-04-27. Review status: criteria provided, single submitter. Criteria: ICSL Variant Classification Criteria 13 December 2019. Collection method: clinical testing. Allele origin: germline.
Comment: This variant was observed as part of a predisposition screen in an ostensibly healthy population. A literature search was performed for the gene, cDNA change, and amino acid change (where applicable). No publications were found based on this search. Allele frequency data from public databases allowed determination this variant is unlikely to cause disease. Therefore, this variant is classified as likely benign.

NM_022051.3(EGLN1):c.*1787T>G

Gene: EGLN1 (egl-9 family hypoxia inducible factor 1; minus strand). Cytogenetic location: 1q42.2.
Variant type: single nucleotide variant.
Coding change: c.*1787T>G on transcript NM_022051.3 (MANE Select); 1787 bases downstream of the stop codon, T replaced by G.
Molecular consequence: 3 prime UTR variant.
Genome position (GRCh38, 1-based): chr1:231,364,624, A>C on the plus strand (T>G on the coding strand, the complement: EGLN1 is on the minus strand). VCF-style: chr1-231364624-A-C. GRCh37 (hg19) VCF-style: chr1-231500370-A-C.
Other names: c.*1848T>G (NM_001377260.1); c.*1893T>G (NM_001377261.1).
Identifiers: ClinVar variation 296155 (VCV000296155.5), dbSNP rs143135847, ClinGen allele CA10610350.
Genomic context (GRCh38, chr1:231,364,624, plus strand): 5'-ACATTCAATCCCATCCTAAGTCCACTGTTGGCTTCACTACACAATTTTTTTCCATGTTTT[A>C]CATGAATAGCAATGGCAATCTTTTAATAAAAATTACTGAGCTTCCCATAGAAAAGGTCTC-3'